The following is an entry in ClinVar:

ClinVar aggregate classification (germline): Uncertain significance. Review status: criteria provided, multiple submitters, no conflicts (2 of 4 stars). 2 submissions from 2 submitters: Uncertain significance (2). Last evaluated 2025-07-15.

Conditions:
Inborn genetic diseases. Identifiers: MedGen C0950123, MeSH D030342.

Allele frequency attached by ClinVar (database versions not stated): TOPMed below 0.00001; gnomAD exomes 0.00001; ExAC 0.00002.
gnomAD v4.1: 16 of 1,614,142 alleles (0.00099%); highest among the groups gnomAD compares: Admixed American, 0.0033%; no homozygotes.

Submissions (2):

Ambry Genetics
Classification: Uncertain significance for Inborn genetic diseases. Last evaluated: 2025-07-15. Review status: criteria provided, single submitter. Criteria: Ambry Variant Classification Scheme 2023. Collection method: clinical testing. Allele origin: germline.

Labcorp Genetics (formerly Invitae), Labcorp
Classification: Uncertain significance. Last evaluated: 2022-05-27. Review status: criteria provided, single submitter. Criteria: Invitae Variant Classification Sherloc (09022015). Collection method: clinical testing. Allele origin: germline.
Comment: In summary, the available evidence is currently insufficient to determine the role of this variant in disease. Therefore, it has been classified as a Variant of Uncertain Significance. Algorithms developed to predict the effect of missense changes on protein structure and function (SIFT, PolyPhen-2, Align-GVGD) all suggest that this variant is likely to be tolerated. ClinVar contains an entry for this variant (Variation ID: 1041644). This variant has not been reported in the literature in individuals affected with SZT2-related conditions. This variant is present in population databases (rs754397731, gnomAD 0.003%). This sequence change replaces serine, which is neutral and polar, with leucine, which is neutral and non-polar, at codon 2439 of the SZT2 protein (p.Ser2439Leu).

NM_001365999.1(SZT2):c.7487C>T (p.Ser2496Leu)

Gene: SZT2 (SZT2 subunit of KICSTOR complex; plus strand). Cytogenetic location: 1p34.2.
Variant type: single nucleotide variant.
Coding change: c.7487C>T on transcript NM_001365999.1 (MANE Select); coding-DNA position 7487, C replaced by T.
Protein change: p.Ser2496Leu; replaces serine 2496 with leucine.
Molecular consequence: missense variant.
Genome position (GRCh38, 1-based): chr1:43,441,356, C>T. VCF-style: chr1-43441356-C-T. GRCh37 (hg19) VCF-style: chr1-43907027-C-T.
Other names: c.7316C>T, p.Ser2439Leu (NM_015284.4); c.7316C>T (NM_015284.3); short protein forms S2496L, S2439L.
Identifiers: ClinVar variation 1041644 (VCV001041644.7), dbSNP rs754397731, ClinGen allele CA810234.